The following is an entry in ClinVar:

ClinVar aggregate classification (germline): Uncertain significance. Review status: criteria provided, multiple submitters, no conflicts (2 of 4 stars). 2 submissions from 2 submitters: Uncertain significance (2). Last evaluated 2025-08-19.

Conditions:
Inborn genetic diseases. Identifiers: MedGen C0950123, MeSH D030342.

Allele frequency attached by ClinVar (database versions not stated): gnomAD exomes 0.00002 and 0.00004; TOPMed 0.00002; gnomAD 0.00004; ExAC 0.00006.

Submissions (2):

Ambry Genetics
Classification: Uncertain significance for Inborn genetic diseases. Last evaluated: 2025-08-19. Review status: criteria provided, single submitter. Criteria: Ambry Variant Classification Scheme 2023. Collection method: clinical testing. Allele origin: germline.

Labcorp Genetics (formerly Invitae), Labcorp
Classification: Uncertain significance. Last evaluated: 2021-08-24. Review status: criteria provided, single submitter. Criteria: Invitae Variant Classification Sherloc (09022015). Collection method: clinical testing. Allele origin: germline.
Comment: This sequence change replaces arginine with histidine at codon 494 of the MYSM1 protein (p.Arg494His). The arginine residue is highly conserved and there is a small physicochemical difference between arginine and histidine. This variant is present in population databases (rs753193374, ExAC 0.04%). This variant has not been reported in the literature in individuals affected with MYSM1-related conditions. Algorithms developed to predict the effect of missense changes on protein structure and function are either unavailable or do not agree on the potential impact of this missense change (SIFT: "Deleterious"; PolyPhen-2: "Benign"; Align-GVGD: "Class C25"). In summary, the available evidence is currently insufficient to determine the role of this variant in disease. Therefore, it has been classified as a Variant of Uncertain Significance.

NM_001085487.3(MYSM1):c.1481G>A (p.Arg494His)

Gene: MYSM1 (Myb like, SWIRM and MPN domains 1; minus strand). Cytogenetic location: 1p32.1.
Variant type: single nucleotide variant.
Coding change: c.1481G>A on transcript NM_001085487.3 (MANE Select); coding-DNA position 1481, G replaced by A.
Protein change: p.Arg494His; replaces arginine 494 with histidine.
Molecular consequence: missense variant.
Genome position (GRCh38, 1-based): chr1:58,675,490, C>T on the plus strand (G>A on the coding strand, the complement: MYSM1 is on the minus strand). VCF-style: chr1-58675490-C-T. GRCh37 (hg19) VCF-style: chr1-59141162-C-T.
Other names: c.1481G>A (NM_001085487.2); short protein forms R494H.
Identifiers: ClinVar variation 1486813 (VCV001486813.6), dbSNP rs753193374, ClinGen allele CA877806.